The following is an entry in ClinVar:

ClinVar aggregate classification (germline): Uncertain significance (1 of 4 stars; one submission).

Conditions:
TNF receptor-associated periodic fever syndrome (TRAPS) (FPF). Also called: Autosomal Dominant Familial Periodic Fever; TNF Receptor-Associated Periodic Fever Syndrome; FAMILIAL HIBERNIAN FEVER; TNF RECEPTOR-ASSOCIATED PERIODIC SYNDROME; TUMOR NECROSIS FACTOR RECEPTOR-ASSOCIATED PERIODIC SYNDROME; TNF receptor 1-associated periodic fever syndrome. Identifiers: Orphanet 32960, MedGen C1275126, MONDO:0007727, OMIM 142680.

Submission:

Labcorp Genetics (formerly Invitae), Labcorp
Classification: Uncertain significance for TNF receptor-associated periodic fever syndrome (TRAPS). Last evaluated: 2021-06-15. Review status: criteria provided, single submitter. Criteria: Invitae Variant Classification Sherloc (09022015). Collection method: clinical testing. Allele origin: germline.
Comment: In summary, the available evidence is currently insufficient to determine the role of this variant in disease. Therefore, it has been classified as a Variant of Uncertain Significance. Algorithms developed to predict the effect of missense changes on protein structure and function are either unavailable or do not agree on the potential impact of this missense change (SIFT: "Deleterious"; PolyPhen-2: "Benign"; Align-GVGD: "Class C0"). This variant has not been reported in the literature in individuals with TNFRSF1A-related conditions. This variant is not present in population databases (ExAC no frequency). This sequence change replaces arginine with tryptophan at codon 37 of the TNFRSF1A protein (p.Arg37Trp). The arginine residue is highly conserved and there is a moderate physicochemical difference between arginine and tryptophan.

NM_001065.4(TNFRSF1A):c.109A>T (p.Arg37Trp)

Gene: TNFRSF1A (TNF receptor superfamily member 1A; minus strand). Cytogenetic location: 12p13.31.
Variant type: single nucleotide variant.
Coding change: c.109A>T on transcript NM_001065.4 (MANE Select); coding-DNA position 109, A replaced by T.
Protein change: p.Arg37Trp; replaces arginine 37 with tryptophan.
Molecular consequence: missense variant. On other transcripts: 5 prime UTR variant (1), non-coding transcript variant (1), intron variant (1).
Genome position (GRCh38, 1-based): chr12:6,334,175, T>A on the plus strand (A>T on the coding strand, the complement: TNFRSF1A is on the minus strand). VCF-style: chr12-6334175-T-A. GRCh37 (hg19) VCF-style: chr12-6443341-T-A.
Other names: c.-469A>T (NM_001346092.2); c.-131-310A>T (NM_001346091.2); short protein forms R37W.
Identifiers: ClinVar variation 1395195 (VCV001395195.8), dbSNP rs2136823158, ClinGen allele CA383551086.